The following is an entry in ClinVar:

Conditions:
Breast-ovarian cancer, familial, susceptibility to, 1 (BROVCA1). Also called: BRCA1 Hereditary Breast and Ovarian Cancer; OVARIAN CANCER, SUSCEPTIBILITY TO. Identifiers: Orphanet 145, MedGen C2676676, MONDO:0011450, OMIM 604370. Disease mechanism: loss of function.

Submission:

Brotman Baty Institute, University of Washington
No classification provided (evidence only). Condition: Breast-ovarian cancer, familial 1. Review status: no classification provided. Collection method: in vitro. Allele origin: not applicable. Functional consequence: functionally_normal.
ClinVar note: "not provided" was previously submitted as the classification for the variant. However, the classification appeared to be based only on an observation of functional data so it was converted to no classification on 2025-07-30.

NM_007294.4(BRCA1):c.5332+5G>C

Gene: BRCA1 (BRCA1 DNA repair associated; minus strand). Cytogenetic location: 17q21.31.
Variant type: single nucleotide variant.
Coding change: c.5332+5G>C on transcript NM_007294.4 (MANE Select); 5 bases into the intron after coding-DNA position 5332, G replaced by C.
Molecular consequence: intron variant.
Genome position (GRCh38, 1-based): chr17:43,051,058, C>G on the plus strand (G>C on the coding strand, the complement: BRCA1 is on the minus strand). VCF-style: chr17-43051058-C-G. GRCh37 (hg19) VCF-style: chr17-41203075-C-G.
Other names: c.2017+5G>C (NM_001408402.1, NM_001408473.1, NM_001408399.1 and 8 more transcripts); c.2020+5G>C (NM_001407984.1, NM_001407983.1, NM_001407992.1 and 12 more transcripts); c.5323+5G>C (NM_001407645.1, NM_001407644.1); c.5326+5G>C (NM_001407628.1, NM_001407637.1, NM_001407641.1 and 14 more transcripts); c.5329+5G>C (NM_001407860.1, NM_001407611.1, NM_001407624.1 and 17 more transcripts); c.5392+5G>C (NM_001407590.1, NM_001407591.1); c.1897+5G>C (NM_001408443.1, NM_001408439.1, NM_001408434.1 and 10 more transcripts); c.1900+5G>C (NM_001408425.1, NM_001408428.1, NM_001408429.1 and 4 more transcripts); and 74 more.
Identifiers: ClinVar variation 865320 (VCV000865320.3), dbSNP rs1555575663, ClinGen allele CA916081022.
Genomic context (GRCh38, chr17:43,051,058, plus strand): 5'-TATAATACTCCACTATGTAAGACAAAGGCTGGTGCTGGAACTCTGGGGTTCTCCCAGGCT[C>G]TTACCTGTGGGCATGTTGGTGAAGGGCCCATAGCAACAGATTTCTAGCCCCCTGAAGATC-3'